The following is an entry in ClinVar:

ClinVar aggregate classification (germline): Uncertain significance (1 of 4 stars; one submission).

Conditions:
Capillary malformation-arteriovenous malformation syndrome. Also called: Capillary malformation-arteriovenous malformation. Identifiers: Orphanet 137667, MedGen C1842180, MONDO:0012016.

Submission:

Labcorp Genetics (formerly Invitae), Labcorp
Classification: Uncertain significance for Capillary malformation-arteriovenous malformation syndrome. Last evaluated: 2025-08-03. Review status: criteria provided, single submitter. Criteria: Invitae Variant Classification Sherloc (09022015). Collection method: clinical testing. Allele origin: germline.
Comment: This sequence change replaces arginine, which is basic and polar, with serine, which is neutral and polar, at codon 894 of the RASA1 protein (p.Arg894Ser). This variant is not present in population databases (gnomAD no frequency). This variant has not been reported in the literature in individuals affected with RASA1-related conditions. An algorithm developed to predict the effect of missense changes on protein structure and function (PolyPhen-2) suggests that this variant is likely to be disruptive. In summary, the available evidence is currently insufficient to determine the role of this variant in disease. Therefore, it has been classified as a Variant of Uncertain Significance.

NM_002890.3(RASA1):c.2682A>T (p.Arg894Ser)

Genes: CCNH (cyclin H; minus strand), RASA1 (RAS p21 protein activator 1; plus strand). Cytogenetic location: 5q14.3.
Variant type: single nucleotide variant.
Coding change: c.2682A>T on transcript NM_002890.3 (MANE Select); coding-DNA position 2682, A replaced by T.
Protein change: p.Arg894Ser; replaces arginine 894 with serine.
Molecular consequence: missense variant. On other transcripts: intron variant (1).
Genome position (GRCh38, 1-based): chr5:87,380,587, A>T. VCF-style: chr5-87380587-A-T. GRCh37 (hg19) VCF-style: chr5-86676404-A-T.
Other names: c.2151A>T, p.Arg717Ser (NM_022650.3); c.933+14457T>A (NM_001364075.2); short protein forms R717S, R894S.
Identifiers: ClinVar variation 4724702 (VCV004724702.1).